The following is an entry in ClinVar:

NM_000059.4(BRCA2):c.4675T>G (p.Phe1559Val)

Gene: BRCA2 (BRCA2 DNA repair associated; plus strand). Cytogenetic location: 13q13.1.
Variant type: single nucleotide variant.
Coding change: c.4675T>G on transcript NM_000059.4 (MANE Select); coding-DNA position 4675, T replaced by G.
Protein change: p.Phe1559Val; replaces phenylalanine 1559 with valine.
Molecular consequence: missense variant.
Genome position (GRCh38, 1-based): chr13:32,339,030, T>G. VCF-style: chr13-32339030-T-G. GRCh37 (hg19) VCF-style: chr13-32913167-T-G.
Other names: c.4675T>G, p.Phe1559Val (NM_001406719.1, NM_001406720.1); short protein forms F1559V.
Identifiers: ClinVar variation 1714029 (VCV001714029.7), dbSNP rs2137508937, ClinGen allele CA387782798.

ClinVar aggregate classification (germline): Conflicting classifications of pathogenicity. Review status: criteria provided, conflicting classifications (1 of 4 stars). 2 submissions from 2 submitters: Uncertain significance (1); Likely benign (1). Last evaluated 2023-03-23.

Conditions:
Hereditary cancer-predisposing syndrome. Also called: Neoplastic Syndromes, Hereditary; Tumor predisposition; Hereditary Cancer Syndrome; Hereditary neoplastic syndrome. Identifiers: Orphanet 140162, MedGen C0027672, MeSH D009386, MONDO:0015356.
Hereditary breast ovarian cancer syndrome. Also called: Hereditary breast and ovarian cancer syndrome; Hereditary breast and ovarian cancer syndrome (HBOC); Breast and ovarian cancer; Hereditary breast and/or ovarian cancer syndrome; Hereditary breast and ovarian cancer; BRCA1- and BRCA2-Associated Hereditary Breast and Ovarian Cancer. Identifiers: Orphanet 145, MedGen C0677776, MeSH D061325, MONDO:0003582. Disease mechanism: loss of function.

Submissions (2):

University of Washington Department of Laboratory Medicine, University of Washington
Classification: Likely benign for Hereditary cancer-predisposing syndrome. Last evaluated: 2023-03-23. Review status: criteria provided, single submitter. Criteria: Dines et al. (Genet Med. 2020). Collection method: curation. Allele origin: germline.
Comment: Missense variant in a coldspot region where missense variants are very unlikely to be pathogenic (PMID:31911673).

BRCA2 exon 11 coldspot. Reclassification based on statistical prior probability.

Labcorp Genetics (formerly Invitae), Labcorp
Classification: Uncertain significance for Hereditary breast ovarian cancer syndrome. Last evaluated: 2022-07-27. Review status: criteria provided, single submitter. Criteria: Invitae Variant Classification Sherloc (09022015). Collection method: clinical testing. Allele origin: germline.
Comment: In summary, the available evidence is currently insufficient to determine the role of this variant in disease. Therefore, it has been classified as a Variant of Uncertain Significance. Advanced modeling of protein sequence and biophysical properties (such as structural, functional, and spatial information, amino acid conservation, physicochemical variation, residue mobility, and thermodynamic stability) performed at Invitae indicates that this missense variant is not expected to disrupt BRCA2 protein function. This variant has not been reported in the literature in individuals affected with BRCA2-related conditions. This variant is not present in population databases (gnomAD no frequency). This sequence change replaces phenylalanine, which is neutral and non-polar, with valine, which is neutral and non-polar, at codon 1559 of the BRCA2 protein (p.Phe1559Val).